The following is an entry in ClinVar:

NM_002016.2(FLG):c.7619G>A (p.Arg2540Gln)

Genes: CCDST (cervical cancer associated DHX9 suppressive transcript; plus strand), FLG (filaggrin; minus strand). Cytogenetic location: 1q21.3.
Variant type: single nucleotide variant.
Coding change: c.7619G>A on transcript NM_002016.2 (MANE Select); coding-DNA position 7619, G replaced by A.
Protein change: p.Arg2540Gln; replaces arginine 2540 with glutamine.
Molecular consequence: missense variant.
Genome position (GRCh38, 1-based): chr1:152,307,267, C>T on the plus strand (G>A on the coding strand, the complement: FLG is on the minus strand). VCF-style: chr1-152307267-C-T. GRCh37 (hg19) VCF-style: chr1-152279743-C-T.
Other names: short protein forms R2540Q.
Identifiers: ClinVar variation 3238996 (VCV003238996.19), dbSNP rs148050570.

ClinVar aggregate classification (germline): Likely benign (1 of 4 stars; one submission).

Allele frequency attached by ClinVar (database versions not stated): gnomAD 0.00009; 1000 Genomes Project 0.00479.
gnomAD v4.1: 107 of 1,606,722 alleles (0.0067%); highest among the groups gnomAD compares: Middle Eastern, 0.017%; no homozygotes.

Submission:

CeGaT Center for Human Genetics Tuebingen
Classification: Likely benign. Last evaluated: 2025-07-01. Review status: criteria provided, single submitter. Criteria: CeGaT Center For Human Genetics Tuebingen Variant Classification Criteria Version 2. Collection method: clinical testing. Allele origin: germline. Affected: yes. Observed: 2 variant alleles.
Comment: FLG: BP4, BS2